The following is an entry in ClinVar:

ClinVar aggregate classification (germline): Uncertain significance (1 of 4 stars; one submission).

Conditions:
Neuronopathy, distal hereditary motor, type 2A. Also called: NEURONOPATHY, DISTAL HEREDITARY MOTOR, AUTOSOMAL DOMINANT 2; NEURONOPATHY, DISTAL HEREDITARY MOTOR, HARDING TYPE IIA; NEUROPATHY, DISTAL HEREDITARY MOTOR, HARDING TYPE IIA; SPINAL MUSCULAR ATROPHY, DISTAL, ADULT, AUTOSOMAL DOMINANT, HARDING TYPE IIA; HMN IIA; CHARCOT-MARIE-TOOTH DISEASE, SPINAL, IIA. Identifiers: Orphanet 139525, MedGen C1834692, MONDO:0008025, OMIM 158590.

gnomAD v4.1: 3 of 1,614,092 alleles (0.00019%); highest among the groups gnomAD compares: African/African-American, 0.0027%; no homozygotes.

Submission:

Baylor Genetics
Classification: Uncertain significance for Neuronopathy, distal hereditary motor, type 2A. Last evaluated: 2020-09-23. Review status: criteria provided, single submitter. Criteria: ACMG Guidelines, 2015. Collection method: clinical testing. Allele origin: unknown. Affected: yes.
Comment: This variant was determined to be of uncertain significance according to ACMG Guidelines, 2015 [PMID:25741868].

NM_014365.3(HSPB8):c.403G>C (p.Val135Leu)

Gene: HSPB8 (heat shock protein family B (small) member 8; plus strand). Cytogenetic location: 12q24.23.
Variant type: single nucleotide variant.
Coding change: c.403G>C on transcript NM_014365.3 (MANE Select); coding-DNA position 403, G replaced by C.
Protein change: p.Val135Leu; replaces valine 135 with leucine.
Molecular consequence: missense variant.
Genome position (GRCh38, 1-based): chr12:119,187,060, G>C. VCF-style: chr12-119187060-G-C. GRCh37 (hg19) VCF-style: chr12-119624865-G-C.
Other names: short protein forms V135L.
Identifiers: ClinVar variation 1027861 (VCV001027861.1), dbSNP rs917644809, ClinGen allele CA386529441.
Genomic context (GRCh38, chr12:119,187,060, plus strand): 5'-CACGCCACACTTTTCTTCCTTCCAGGCAAACATGAAGAGAAACAGCAAGAAGGTGGCATT[G>C]TTTCTAAGAACTTCACAAAGAAAATCCAGTAAGTAACCTGGAGTCATGGAGCTCAGGGTG-3'
Protein context (NP_055180.1, residues 125-145): HEEKQQEGGI[Val135Leu]SKNFTKKIQL